The following is an entry in ClinVar:

NM_001127511.3(APC):c.166-29015A>T

Gene: APC (APC regulator of Wnt signaling pathway; plus strand). Cytogenetic location: 5q22.2.
Variant type: single nucleotide variant.
Coding change: c.166-29015A>T on transcript NM_001127511.3; 29015 bases into the intron before coding-DNA position 166, A replaced by T.
Molecular consequence: intron variant.
Genome position (GRCh38, 1-based): chr5:112,737,311, A>T. VCF-style: chr5-112737311-A-T. GRCh37 (hg19) VCF-style: chr5-112073008-A-T.
Other names: c.-1053-17562A>T (NM_001407470.1, NM_001407472.1); c.-18-17562A>T (NM_001407447.1, NM_001354895.2, NM_001407456.1 and 7 more transcripts); c.166-29015A>T (NM_001407446.1, NM_001354897.2, NM_001354902.2); c.-42-29015A>T (NM_001407453.1).
Identifiers: ClinVar variation 516825 (VCV000516825.16), dbSNP rs75581138, ClinGen allele CA124948485.

ClinVar aggregate classification (germline): Benign/Likely benign. Review status: criteria provided, multiple submitters, no conflicts (2 of 4 stars). 6 submissions from 6 submitters: Benign (4); Likely benign (1). 1 of the submissions does not count toward it. Last evaluated 2026-01-19.

Conditions:
Hereditary cancer-predisposing syndrome. Also called: Hereditary Cancer Syndrome; Neoplastic Syndromes, Hereditary; Tumor predisposition; Hereditary neoplastic syndrome. Identifiers: Orphanet 140162, MedGen C0027672, MeSH D009386, MONDO:0015356.
Familial adenomatous polyposis 1 (FAP1). Also called: FAMILIAL ADENOMATOUS POLYPOSIS 1, ATTENUATED; POLYPOSIS, ADENOMATOUS INTESTINAL. Identifiers: MedGen C2713442, MONDO:0021056, OMIM 175100. Disease mechanism: loss of function.

Allele frequency attached by ClinVar (database versions not stated): 1000 Genomes Project 30x 0.04700; gnomAD 0.04169; TOPMed 0.04488; 1000 Genomes Project 0.04533.
gnomAD v4.1: 6,177 of 152,208 alleles (4.1%); highest among the groups gnomAD compares: African/African-American, 14%; 381 homozygotes.

Submissions (6):

Labcorp Genetics (formerly Invitae), Labcorp
Classification: Benign for Familial adenomatous polyposis 1. Last evaluated: 2026-01-19. Review status: criteria provided, single submitter. Criteria: Invitae Variant Classification Sherloc (09022015). Collection method: clinical testing. Allele origin: germline.

Blueprint Genetics
Classification: Likely benign. Last evaluated: 2024-11-26. Review status: criteria provided, single submitter. Criteria: ACMG Guidelines, 2015. Collection method: clinical testing. Allele origin: germline.

Sema4
Classification: Benign for Hereditary cancer-predisposing syndrome. Last evaluated: 2019-12-10. Review status: criteria provided, single submitter. Criteria: Sema4 Curation Guidelines. Collection method: curation. Allele origin: germline.

Eurofins Ntd Llc (ga)
Classification: Benign. Last evaluated: 2018-06-07. Review status: criteria provided, single submitter. Criteria: EGL ClinVar v180209 classification definitions. Collection method: clinical testing. Allele origin: germline. Observed: 1 variant allele, 1 heterozygote.

GeneDx
Classification: Benign. Last evaluated: 2017-10-06. Review status: criteria provided, single submitter. Criteria: GeneDx Variant Classification (06012015). Collection method: clinical testing. Allele origin: germline. Affected: yes.
Comment: This variant is considered likely benign or benign based on one or more of the following criteria: it is a conservative change, it occurs at a poorly conserved position in the protein, it is predicted to be benign by multiple in silico algorithms, and/or has population frequency not consistent with disease.

Counsyl
Classification: Benign for Familial adenomatous polyposis 1. Last evaluated: 2018-02-06. Review status: no assertion criteria provided. Collection method: clinical testing. Allele origin: unknown. Not counted in ClinVar's aggregate classification.

Literature cited by the submitters: PubMed 11606402 (cited by Counsyl).